The following is an entry in ClinVar:

NM_006904.7(PRKDC):c.2667G>C (p.Glu889Asp)

Gene: PRKDC (protein kinase, DNA-activated, catalytic subunit; minus strand). Cytogenetic location: 8q11.21.
Variant type: single nucleotide variant.
Coding change: c.2667G>C on transcript NM_006904.7 (MANE Select); coding-DNA position 2667, G replaced by C.
Protein change: p.Glu889Asp; replaces glutamic acid 889 with aspartic acid.
Molecular consequence: missense variant.
Genome position (GRCh38, 1-based): chr8:47,914,015, C>G on the plus strand (G>C on the coding strand, the complement: PRKDC is on the minus strand). VCF-style: chr8-47914015-C-G. GRCh37 (hg19) VCF-style: chr8-48826575-C-G.
Other names: c.2667G>C, p.Glu889Asp (NM_001081640.2); short protein forms E889D.
Identifiers: ClinVar variation 575842 (VCV000575842.15), dbSNP rs200126714, ClinGen allele CA4741399.

ClinVar aggregate classification (germline): Conflicting classifications of pathogenicity. Review status: criteria provided, conflicting classifications (1 of 4 stars). 5 submissions from 5 submitters: Uncertain significance (4); Likely benign (1). Last evaluated 2026-01-06.

Conditions:
Severe combined immunodeficiency due to DNA-PKcs deficiency. Also called: Immunodeficiency 26 with or without neurologic abnormalities; IMMUNODEFICIENCY 26 WITH NEUROLOGIC ABNORMALITIES. Identifiers: Orphanet 317425, MedGen C4014833, MONDO:0014423, OMIM 615966.

Allele frequency attached by ClinVar (database versions not stated): ExAC 0.00020; gnomAD exomes 0.00071 and 0.00033; ESP Exome Variant Server 0.00041; gnomAD 0.00052 and 0.00056; TOPMed 0.00056.
gnomAD v4.1: 1,089 of 1,599,150 alleles (0.068%); highest among the groups gnomAD compares: Non-Finnish European, 0.087%; 1 homozygote.

Submissions (5):

Women's Health and Genetics/Laboratory Corporation of America, LabCorp
Classification: Likely benign. Last evaluated: 2026-01-06. Review status: criteria provided, single submitter. Criteria: LabCorp Variant Classification Summary - May 2015. Collection method: clinical testing. Allele origin: germline.
Comment: Variant summary: PRKDC c.2667G>C (p.Glu889Asp) results in a conservative amino acid change in the encoded protein sequence. Algorithms developed to predict the effect of missense changes on protein structure and function are either unavailable or do not agree on the potential impact of this missense change. The variant allele was found at a frequency of 0.00033 in 239792 control chromosomes, predominantly at a frequency of 0.00062 within the Non-Finnish European subpopulation in the gnomAD database. The observed variant frequency within Non-Finnish European control individuals in the gnomAD database exceeds the estimated maximal expected allele frequency for disease-causing variants in PRKDC. To our knowledge, no occurrence of c.2667G>C in individuals affected with PRKDC-related conditions and no experimental evidence demonstrating its impact on protein function have been reported. The following publications have been ascertained in the context of this evaluation (PMID: 29643063, 39717660). ClinVar contains an entry for this variant (Variation ID: 575842). Based on the evidence outlined above, the variant was classified as likely benign.

Blueprint Genetics
Classification: Uncertain significance. Last evaluated: 2024-11-11. Review status: criteria provided, single submitter. Criteria: ACMG Guidelines, 2015. Collection method: clinical testing. Allele origin: germline.

Labcorp Genetics (formerly Invitae), Labcorp
Classification: Uncertain significance for Severe combined immunodeficiency due to DNA-PKcs deficiency. Last evaluated: 2024-01-17. Review status: criteria provided, single submitter. Criteria: Invitae Variant Classification Sherloc (09022015). Collection method: clinical testing. Allele origin: germline.
Comment: This sequence change replaces glutamic acid, which is acidic and polar, with aspartic acid, which is acidic and polar, at codon 889 of the PRKDC protein (p.Glu889Asp). This variant is present in population databases (rs200126714, gnomAD 0.06%). This variant has not been reported in the literature in individuals affected with PRKDC-related conditions. ClinVar contains an entry for this variant (Variation ID: 575842). Advanced modeling of protein sequence and biophysical properties (such as structural, functional, and spatial information, amino acid conservation, physicochemical variation, residue mobility, and thermodynamic stability) performed at Invitae indicates that this missense variant is not expected to disrupt PRKDC protein function with a negative predictive value of 80%. In summary, the available evidence is currently insufficient to determine the role of this variant in disease. Therefore, it has been classified as a Variant of Uncertain Significance.

Ambry Genetics
Classification: Uncertain significance. Last evaluated: 2022-09-12. Review status: criteria provided, single submitter. Criteria: Ambry Variant Classification Scheme 2023. Collection method: clinical testing. Allele origin: germline.
Comment: The p.E889D variant (also known as c.2667G>C), located in coding exon 24 of the PRKDC gene, results from a G to C substitution at nucleotide position 2667. The glutamic acid at codon 889 is replaced by aspartic acid, an amino acid with highly similar properties. This amino acid position is conserved. In addition, this alteration is predicted to be tolerated by in silico analysis. Since supporting evidence is limited at this time, the clinical significance of this alteration remains unclear.

Revvity Omics, Revvity
Classification: Uncertain significance for Severe combined immunodeficiency due to DNA-PKcs deficiency. Last evaluated: 2019-01-23. Review status: criteria provided, single submitter. Criteria: ACMG Guidelines, 2015. Collection method: clinical testing. Allele origin: germline.

Literature cited by the submitters: PubMed 29643063 (cited by Women's Health and Genetics/Laboratory Corporation of America, LabCorp); PubMed 39717660 (cited by Women's Health and Genetics/Laboratory Corporation of America, LabCorp).